The following is an entry in ClinVar:

ClinVar aggregate classification (germline): Conflicting classifications of pathogenicity. Review status: criteria provided, conflicting classifications (1 of 4 stars). 3 submissions from 3 submitters: Uncertain significance (2); Likely benign (1). Last evaluated 2025-11-25.

Conditions:
Familial acute necrotizing encephalopathy (IIAE3). Also called: ENCEPHALOPATHY, ACUTE, INFECTION-INDUCED, SUSCEPTIBILITY TO, 3; Susceptibility to Acute Necrotizing Encephalopathy 1. Identifiers: Orphanet 88619, MedGen C2675556, MONDO:0011953, OMIM 608033.

Allele frequency attached by ClinVar (database versions not stated): gnomAD 0.00007 and 0.00008; gnomAD exomes 0.00008 and 0.00020; TOPMed 0.00009; 1000 Genomes Project 30x 0.00016; 1000 Genomes Project 0.00020; ExAC 0.00021.
gnomAD v4.1: 136 of 1,611,808 alleles (0.0084%); highest among the groups gnomAD compares: South Asian, 0.049%; no homozygotes.

Submissions (3):

Labcorp Genetics (formerly Invitae), Labcorp
Classification: Uncertain significance for Familial acute necrotizing encephalopathy. Last evaluated: 2025-11-25. Review status: criteria provided, single submitter. Criteria: Invitae Variant Classification Sherloc (09022015). Collection method: clinical testing. Allele origin: germline.
Comment: This sequence change replaces isoleucine, which is neutral and non-polar, with valine, which is neutral and non-polar, at codon 652 of the RANBP2 protein (p.Ile652Val). The frequency data for this variant in the population databases is considered unreliable, as metrics indicate poor data quality at this position in the gnomAD database. This variant has not been reported in the literature in individuals affected with RANBP2-related conditions. ClinVar contains an entry for this variant (Variation ID: 1037217). An algorithm developed to predict the effect of missense changes on protein structure and function outputs the following: PolyPhen-2: "Benign". The valine amino acid residue is found in multiple mammalian species, which suggests that this missense change does not adversely affect protein function. In summary, the available evidence is currently insufficient to determine the role of this variant in disease. Therefore, it has been classified as a Variant of Uncertain Significance.

Blueprint Genetics
Classification: Likely benign. Last evaluated: 2024-03-06. Review status: criteria provided, single submitter. Criteria: ACMG Guidelines, 2015. Collection method: clinical testing. Allele origin: germline.

GeneDx
Classification: Uncertain significance. Last evaluated: 2022-12-28. Review status: criteria provided, single submitter. Criteria: GeneDx Variant Classification Process June 2021. Collection method: clinical testing. Allele origin: germline. Affected: yes.
Comment: In silico analysis supports that this missense variant does not alter protein structure/function; Has not been previously published as pathogenic or benign to our knowledge

NM_006267.5(RANBP2):c.1954A>G (p.Ile652Val)

Gene: RANBP2 (RAN binding protein 2; plus strand). Cytogenetic location: 2q13.
Variant type: single nucleotide variant.
Coding change: c.1954A>G on transcript NM_006267.5 (MANE Select); coding-DNA position 1954, A replaced by G.
Protein change: p.Ile652Val; replaces isoleucine 652 with valine.
Molecular consequence: missense variant.
Genome position (GRCh38, 1-based): chr2:108,753,462, A>G. VCF-style: chr2-108753462-A-G. GRCh37 (hg19) VCF-style: chr2-109369918-A-G.
Other names: c.1954A>G (NM_006267.4); short protein forms I652V.
Identifiers: ClinVar variation 1037217 (VCV001037217.7), dbSNP rs560038746, ClinGen allele CA1822495.